The following is an entry in ClinVar:

NM_001123385.2(BCOR):c.2014T>G (p.Ser672Ala)

Gene: BCOR (BCL6 corepressor; minus strand). Cytogenetic location: Xp11.4.
Variant type: single nucleotide variant.
Coding change: c.2014T>G on transcript NM_001123385.2 (MANE Select); coding-DNA position 2014, T replaced by G.
Protein change: p.Ser672Ala; replaces serine 672 with alanine.
Molecular consequence: missense variant.
Genome position (GRCh38, 1-based): chrX:40,073,332, A>C on the plus strand (T>G on the coding strand, the complement: BCOR is on the minus strand). VCF-style: chrX-40073332-A-C. GRCh37 (hg19) VCF-style: chrX-39932585-A-C.
Other names: c.2014T>G, p.Ser672Ala (NM_001123383.2, NM_001123384.2, NM_017745.6); short protein forms S672A.
Identifiers: ClinVar variation 956451 (VCV000956451.10), dbSNP rs372910732, ClinGen allele CA10386842.
Genomic context (GRCh38, chrX:40,073,332, plus strand): 5'-ACAGACTGCCATTGGGTAACAAAACTGGGTGAGGGTAGACAGGTCCTTTGCCATGTAAGG[A>C]GAGGGGACTTACAGCAATGCCCTCAGGGGCTGGGTAAGGGAGGTAACTCCTGGGGTAGGG-3'
Protein context (NP_001116857.1, residues 662-682): APEGIAVSPL[Ser672Ala]LHGKGPVYPH

ClinVar aggregate classification (germline): Uncertain significance. Review status: criteria provided, multiple submitters, no conflicts (2 of 4 stars). 2 submissions from 2 submitters: Uncertain significance (2). Last evaluated 2025-12-08.

Conditions:
Inborn genetic diseases. Identifiers: MedGen C0950123, MeSH D030342.
Oculofaciocardiodental syndrome (MCOPS2). Identifiers: Orphanet 2712, MedGen C1846265, MONDO:0010261, OMIM 300166.

Allele frequency attached by ClinVar (database versions not stated): ExAC 0.00001; gnomAD exomes 0.00001 and 0.00007; gnomAD 0.00003 and 0.00005; TOPMed 0.00004; ESP Exome Variant Server 0.00009.
gnomAD v4.1: 79 of 1,209,665 alleles (0.0065%); highest among the groups gnomAD compares: Non-Finnish European, 0.0084%; no homozygotes.

Submissions (2):

Ambry Genetics
Classification: Uncertain significance for Inborn genetic diseases. Last evaluated: 2025-12-08. Review status: criteria provided, single submitter. Criteria: Ambry Variant Classification Scheme 2023. Collection method: clinical testing. Allele origin: germline.

Labcorp Genetics (formerly Invitae), Labcorp
Classification: Uncertain significance for Oculofaciocardiodental syndrome. Last evaluated: 2022-08-10. Review status: criteria provided, single submitter. Criteria: Invitae Variant Classification Sherloc (09022015). Collection method: clinical testing. Allele origin: germline.
Comment: In summary, the available evidence is currently insufficient to determine the role of this variant in disease. Therefore, it has been classified as a Variant of Uncertain Significance. Algorithms developed to predict the effect of missense changes on protein structure and function (SIFT, PolyPhen-2, Align-GVGD) all suggest that this variant is likely to be disruptive. ClinVar contains an entry for this variant (Variation ID: 956451). This variant has not been reported in the literature in individuals affected with BCOR-related conditions. This variant is present in population databases (rs372910732, gnomAD 0.006%). This sequence change replaces serine, which is neutral and polar, with alanine, which is neutral and non-polar, at codon 672 of the BCOR protein (p.Ser672Ala).